The following is an entry in ClinVar:

ClinVar aggregate classification (germline): Uncertain significance (1 of 4 stars; one submission).

Conditions:
Ullrich congenital muscular dystrophy 1A. Also called: Intermediate COL6-RD; Ullrich congenital muscular dystrophy 1. Identifiers: Orphanet 75840, MedGen C0410179, MONDO:0009681, OMIM 254090.

Allele frequency attached by ClinVar (database versions not stated): TOPMed below 0.00001; gnomAD 0.00001.
gnomAD v4.1: 11 of 1,558,076 alleles (0.00071%); highest among the groups gnomAD compares: Non-Finnish European, 0.00096%; no homozygotes.

Submission:

Centre for Mendelian Genomics, University Medical Centre Ljubljana
Classification: Uncertain significance for Ullrich congenital muscular dystrophy 1A. Last evaluated: 2020-03-09. Review status: criteria provided, single submitter. Criteria: ACMG Guidelines, 2015. Collection method: clinical testing. Allele origin: unknown. Affected: yes.
Comment: This variant was classified as: Uncertain significance. The available evidence on this variant's pathogenicity is insufficient or conflicting. The following ACMG criteria were applied in classifying this variant: PM2.

NM_001848.3(COL6A1):c.717+1G>A

Gene: COL6A1 (collagen type VI alpha 1 chain; plus strand). Cytogenetic location: 21q22.3.
Variant type: single nucleotide variant.
Coding change: c.717+1G>A on transcript NM_001848.3 (MANE Select); the canonical splice donor site of the intron after coding-DNA position 717, G replaced by A.
Molecular consequence: splice donor variant.
Genome position (GRCh38, 1-based): chr21:45,987,073, G>A. VCF-style: chr21-45987073-G-A. GRCh37 (hg19) VCF-style: chr21-47406987-G-A.
Identifiers: ClinVar variation 930873 (VCV000930873.3), dbSNP rs113969925, ClinGen allele CA321959276.
Genomic context (GRCh38, chr21:45,987,073, plus strand): 5'-CAGAGCCGCGACGCAGAGGAGGCCATCAGCCAGACCATCGACACCATCGTGGACATGATC[G>A]TGAGGCCCCTGCCCAGGAGACGGGGAGGCCCGCGGCGGCCGCAGGTGGAAAGTAATTCTG-3'